The following is an entry in ClinVar:

NM_022132.5(MCCC2):c.416_423delinsGGACTGTGCCTG (p.Thr139fs)

Gene: MCCC2 (methylcrotonyl-CoA carboxylase subunit 2; plus strand). Cytogenetic location: 5q13.2.
Variant type: Indel.
Coding change: c.416_423delinsGGACTGTGCCTG on transcript NM_022132.5 (MANE Select); coding-DNA positions 416 to 423, CCGTCAAA replaced by GGACTGTGCCTG.
Protein change: p.Thr139fs; shifts the reading frame from threonine 139.
Molecular consequence: frameshift variant.
Genome position (GRCh38, 1-based): chr5:71,602,538-71,602,545, CCGTCAAA replaced by GGACTGTGCCTG. VCF-style: chr5-71602538-CCGTCAAA-GGACTGTGCCTG. GRCh37 (hg19) VCF-style: chr5-70898365-CCGTCAAA-GGACTGTGCCTG.
Other names: c.416_423delinsGGACTGTGCCTG, p.Thr139fs (NM_001363147.1); short protein forms T139fs.
Identifiers: ClinVar variation 4816104 (VCV004816104.3).

ClinVar aggregate classification (germline): Likely pathogenic. Review status: criteria provided, multiple submitters, no conflicts (2 of 4 stars). 2 submissions from 2 submitters: Likely pathogenic (2). Last evaluated 2026-04-23.

Conditions:
3-methylcrotonyl-CoA carboxylase 2 deficiency. Also called: METHYLCROTONYLGLYCINURIA, TYPE II; 3 alpha methylcrotonyl-CoA carboxylase 2 deficiency; 3 alpha methylcrotonylglycinuria 2; MCC 2 deficiency; Methylcrotonylglycinuria type 2. Identifiers: Orphanet 6, MedGen C1859499, MONDO:0008862, OMIM 210210.

Submissions (2):

Dasa
Classification: Likely pathogenic for 3-methylcrotonyl-CoA carboxylase 2 deficiency. Last evaluated: 2026-04-23. Review status: criteria provided, single submitter. Criteria: DASA Assertion Criteria. Collection method: clinical testing. Allele origin: germline.
Comment: NM_022132.5(MCCC2):c.416_423delinsGGACTGTGCCTG (p.Thr139Argfs*35) is a frameshift variant in MCCC2 predicted to alter the reading frame and introduce a premature termination codon and is predicted to result in an absent or altered protein product. Loss of function is an established disease mechanism for MCCC2-associated disorders. Also, this variant is rare in population databases. Based on the currently available evidence, this variant is classified as likely pathogenic.

Natera, Inc.
Classification: Likely pathogenic for 3-methylcrotonyl-CoA carboxylase 2 deficiency. Last evaluated: 2026-01-12. Review status: criteria provided, single submitter. Criteria: Natera Variant Classification Schema (03/2026). Collection method: clinical testing. Allele origin: germline.
Comment: The c.416_423delCCGTCAAAinsGGACTGTGCCTG variant in MCCC2 is a frameshift variant predicted to shift the reading frame beginning at codon 139 and leads to a stop codon 35 codons downstream. This variant is expected to result in nonsense mediated decay, truncation, or a dysfunctional protein product. This variant is rare in the general population with a frequency below the threshold expected for the associated phenotype(s). Given the available evidence, this variant is classified as Likely Pathogenic.